The following is an entry in ClinVar:

ClinVar aggregate classification (germline): Pathogenic/Likely pathogenic. Review status: criteria provided, multiple submitters, no conflicts (2 of 4 stars). 2 submissions from 2 submitters: Pathogenic (1); Likely pathogenic (1). Last evaluated 2024-09-07.

Conditions:
Muscular dystrophy-dystroglycanopathy (congenital with brain and eye anomalies), type a, 8 (MDDGA8). Also called: WALKER-WARBURG SYNDROME OR MUSCLE-EYE-BRAIN DISEASE, GTDC2-RELATED. Identifiers: Orphanet 899, MedGen C3553813, MONDO:0013904, OMIM 614830.

Allele frequency attached by ClinVar (database versions not stated): ExAC 0.00001; gnomAD exomes 0.00001; TOPMed 0.00002; gnomAD 0.00003.

Submissions (2):

Labcorp Genetics (formerly Invitae), Labcorp
Classification: Likely pathogenic for Muscular dystrophy-dystroglycanopathy (congenital with brain and eye anomalies), type a, 8. Last evaluated: 2024-09-07. Review status: criteria provided, single submitter. Criteria: Invitae Variant Classification Sherloc (09022015). Collection method: clinical testing. Allele origin: germline.
Comment: This sequence change creates a premature translational stop signal (p.Gln411Argfs*10) in the POMGNT2 gene. While this is not anticipated to result in nonsense mediated decay, it is expected to disrupt the last 170 amino acid(s) of the POMGNT2 protein. This variant is present in population databases (rs747569790, gnomAD 0.004%). This premature translational stop signal has been observed in individual(s) with POMGNT2-related conditions (PMID: 35229910). ClinVar contains an entry for this variant (Variation ID: 1077124). This variant disrupts the C-terminus of the POMGNT2 protein. Other variant(s) that disrupt this region (p.Gln411Argfs*55, p.Arg445*, p.Glu519*) have been observed in individuals with POMGNT2-related conditions (PMID: 22958903; internal data). This suggests that this may be a clinically significant region of the protein. In summary, the currently available evidence indicates that the variant is pathogenic, but additional data are needed to prove that conclusively. Therefore, this variant has been classified as Likely Pathogenic.

Genetics Institute, Tel Aviv Sourasky Medical Center
Classification: Pathogenic for Muscular dystrophy-dystroglycanopathy (congenital with brain and eye anomalies), type a, 8. Last evaluated: 2021-05-12. Review status: criteria provided, single submitter. Criteria: ACMG Guidelines, 2015. Collection method: clinical testing. Allele origin: inherited. Inheritance: Autosomal recessive inheritance.

Literature cited by the submitters: PubMed 35229910 (cited by Labcorp Genetics (formerly Invitae), Labcorp); PubMed 22958903 (cited by Labcorp Genetics (formerly Invitae), Labcorp).

NM_032806.6(POMGNT2):c.1232_1233del (p.Gln411fs)

Gene: POMGNT2 (protein O-linked mannose N-acetylglucosaminyltransferase 2 (beta 1,4-); minus strand). Cytogenetic location: 3p22.1.
Variant type: Deletion.
Coding change: c.1232_1233del on transcript NM_032806.6 (MANE Select); coding-DNA positions 1232 to 1233, 2 bases deleted (AG; older notation c.1232_1233delAG).
Protein change: p.Gln411fs; shifts the reading frame from glutamine 411.
Molecular consequence: frameshift variant.
Genome position (GRCh38, 1-based): chr3:43,080,199-43,080,200, CT deleted on the plus strand (AG on the coding strand, the reverse complement: POMGNT2 is on the minus strand). VCF-style (leftmost placement, unchanged base first): chr3-43080198-CCT-C. GRCh37 (hg19) VCF-style: chr3-43121690-CCT-C.
Other names: short protein forms Q411fs.
Identifiers: ClinVar variation 1077124 (VCV001077124.4), dbSNP rs747569790, ClinGen allele CA2339898.